The following is an entry in ClinVar:

NM_003738.5(PTCH2):c.2196G>A (p.Arg732=)

Gene: PTCH2 (patched 2; minus strand). Cytogenetic location: 1p34.1.
Variant type: single nucleotide variant.
Coding change: c.2196G>A on transcript NM_003738.5 (MANE Select); coding-DNA position 2196, G replaced by A.
Protein change: p.Arg732=; no amino-acid change (arginine 732 retained).
Molecular consequence: synonymous variant.
Genome position (GRCh38, 1-based): chr1:44,827,577, C>T on the plus strand (G>A on the coding strand, the complement: PTCH2 is on the minus strand). VCF-style: chr1-44827577-C-T. GRCh37 (hg19) VCF-style: chr1-45293249-C-T.
Other names: c.2196G>A, p.Arg732= (NM_001166292.2).
Identifiers: ClinVar variation 453929 (VCV000453929.11), dbSNP rs369083877, ClinGen allele CA823084.

ClinVar aggregate classification (germline): Likely benign. Review status: criteria provided, single submitter (1 of 4 stars). 2 submissions from 2 submitters: Likely benign (1). 1 of the submissions does not count toward it. Last evaluated 2026-01-06.

Conditions:
Gorlin syndrome. Also called: Basal cell nevus syndrome; Nevoid Basal Cell Carcinoma Syndrome. Identifiers: Orphanet 377, MedGen C0004779, MONDO:0007187.
PTCH2-related disorder. Also called: PTCH2-related condition; PTCH2-related disease.

Allele frequency attached by ClinVar (database versions not stated): gnomAD 0.00009; ExAC 0.00010; gnomAD exomes 0.00010 and 0.00019; TOPMed 0.00010; ESP Exome Variant Server 0.00023.

Submissions (2):

Labcorp Genetics (formerly Invitae), Labcorp
Classification: Likely benign for Gorlin syndrome. Last evaluated: 2026-01-06. Review status: criteria provided, single submitter. Criteria: Invitae Variant Classification Sherloc (09022015). Collection method: clinical testing. Allele origin: germline.

PreventionGenetics, part of Exact Sciences
Classification: Likely benign for PTCH2-related condition. Last evaluated: 2021-11-04. Review status: no assertion criteria provided. Collection method: clinical testing. Allele origin: germline. Not counted in ClinVar's aggregate classification.
Comment: This variant is classified as likely benign based on ACMG/AMP sequence variant interpretation guidelines (Richards et al. 2015 PMID: 25741868, with internal and published modifications).